The following is an entry in ClinVar:

ClinVar aggregate classification (germline): Pathogenic. Review status: criteria provided, multiple submitters, no conflicts (2 of 4 stars). 2 submissions from 2 submitters: Pathogenic (2). Last evaluated 2025-08-15.

Conditions:
Mowat-Wilson syndrome (MOWS). Also called: Classic Mowat-Wilson Syndrome. Identifiers: Orphanet 2152, MedGen C1856113, MONDO:0009341, OMIM 235730.

Submissions (2):

Variantyx, Inc.
Classification: Pathogenic for Mowat-Wilson syndrome. Last evaluated: 2025-08-15. Review status: criteria provided, single submitter. Criteria: Variantyx Assertion Criteria 2022. Collection method: clinical testing. Allele origin: de novo. Inheritance: Autosomal dominant inheritance. Affected: yes.
Comment: This is a nonsense variant in the ZEB2 gene (OMIM: 605802). Pathogenic variants in this gene have been associated with autosomal dominant Mowat-Wilson syndrome. This variant introduces a premature termination codon in exon 8 out of 10 and is expected to result in loss of function, which is a known disease mechanism for ZEB2 in this disorder (PMID: 17203459 ) (PVS1). It has been reported in at least one affected individual (PMID: 17203459) (PS4_Moderate), while it is absent from control populations (PM2). Based on the current evidence, this variant is classified as pathogenic for autosomal dominant Mowat-Wilson syndrome.

GeneDx
Classification: Pathogenic. Last evaluated: 2023-05-19. Review status: criteria provided, single submitter. Criteria: GeneDx Variant Classification Process June 2021. Collection method: clinical testing. Allele origin: germline. Affected: yes.
Comment: Reported in an individual with a clinical diagnosis of Mowat-Wilson syndrome (Dastot-Le Moal et al., 2007); Nonsense variant predicted to result in protein truncation or nonsense mediated decay in a gene for which loss of function is a known mechanism of disease; Not observed at significant frequency in large population cohorts (gnomAD); This variant is associated with the following publications: (PMID: 32092540, 25525159, 33176815, 17203459)

Literature cited by the submitters: PubMed 17203459 (cited by Variantyx, Inc.); PubMed 33176815 (cited by Variantyx, Inc.).

NM_014795.4(ZEB2):c.1843C>T (p.Gln615Ter)

Gene: ZEB2 (zinc finger E-box binding homeobox 2; minus strand). Cytogenetic location: 2q22.3.
Variant type: single nucleotide variant.
Coding change: c.1843C>T on transcript NM_014795.4 (MANE Select); coding-DNA position 1843, C replaced by T.
Protein change: p.Gln615Ter; replaces glutamine 615 with a stop codon.
Molecular consequence: nonsense.
Genome position (GRCh38, 1-based): chr2:144,399,344, G>A on the plus strand (C>T on the coding strand, the complement: ZEB2 is on the minus strand). VCF-style: chr2-144399344-G-A. GRCh37 (hg19) VCF-style: chr2-145156911-G-A.
Other names: c.1771C>T, p.Gln591Ter (NM_001171653.2); short protein forms Q591*, Q615*.
Identifiers: ClinVar variation 2502533 (VCV002502533.2), dbSNP rs2549106471, ClinGen allele CA348710037.